The following is an entry in ClinVar:

ClinVar aggregate classification (germline): Uncertain significance (1 of 4 stars; one submission).

gnomAD v4.1: 1 of 1,614,120 alleles (0.000062%); highest among the groups gnomAD compares: Non-Finnish European, 0.000085%; no homozygotes.

Submission:

Labcorp Genetics (formerly Invitae), Labcorp
Classification: Uncertain significance. Last evaluated: 2024-02-12. Review status: criteria provided, single submitter. Criteria: Invitae Variant Classification Sherloc (09022015). Collection method: clinical testing. Allele origin: germline.
Comment: This sequence change replaces alanine, which is neutral and non-polar, with threonine, which is neutral and polar, at codon 81 of the PDSS2 protein (p.Ala81Thr). This variant is present in population databases (rs147287460, gnomAD 0.0009%). This variant has not been reported in the literature in individuals affected with PDSS2-related conditions. ClinVar contains an entry for this variant (Variation ID: 1510181). Advanced modeling of protein sequence and biophysical properties (such as structural, functional, and spatial information, amino acid conservation, physicochemical variation, residue mobility, and thermodynamic stability) performed at Invitae indicates that this missense variant is not expected to disrupt PDSS2 protein function with a negative predictive value of 80%. In summary, the available evidence is currently insufficient to determine the role of this variant in disease. Therefore, it has been classified as a Variant of Uncertain Significance.

NM_020381.4(PDSS2):c.241G>A (p.Ala81Thr)

Gene: PDSS2 (decaprenyl diphosphate synthase subunit 2; minus strand). Cytogenetic location: 6q21.
Variant type: single nucleotide variant.
Coding change: c.241G>A on transcript NM_020381.4 (MANE Select); coding-DNA position 241, G replaced by A.
Protein change: p.Ala81Thr; replaces alanine 81 with threonine.
Molecular consequence: missense variant.
Genome position (GRCh38, 1-based): chr6:107,459,045, C>T on the plus strand (G>A on the coding strand, the complement: PDSS2 is on the minus strand). VCF-style: chr6-107459045-C-T. GRCh37 (hg19) VCF-style: chr6-107780249-C-T.
Other names: short protein forms A81T.
Identifiers: ClinVar variation 1510181 (VCV001510181.5), dbSNP rs147287460, ClinGen allele CA3946179.